The following is an entry in ClinVar:

ClinVar aggregate classification (germline): Uncertain significance (1 of 4 stars; one submission).

Conditions:
Hypertrophic cardiomyopathy. Also called: HYPERTROPHIC MYOCARDIOPATHY. Identifiers: Orphanet 217569, MedGen C0007194, MeSH D002312, MONDO:0005045, HP:0001639.

Allele frequency attached by ClinVar (database versions not stated): gnomAD exomes below 0.00001.

Submission:

All of Us Research Program, National Institutes of Health
Classification: Uncertain significance for Hypertrophic cardiomyopathy. Last evaluated: 2024-01-06. Review status: criteria provided, single submitter. Criteria: ACMG Guidelines, 2015. Collection method: clinical testing. Allele origin: germline. Inheritance: Autosomal dominant inheritance. Observed: 1 variant allele, 1 heterozygote.
Comment: This study involves interpretation of variants in research participants for the purpose of population health screening. Participant phenotype was not available at the time of variant classification. Additional details can be found in publication PMID: 35346344, PMCID: PMC8962531

NM_000256.3(MYBPC3):c.3532T>C (p.Ser1178Pro)

Gene: MYBPC3 (myosin binding protein C3; minus strand). Cytogenetic location: 11p11.2.
Variant type: single nucleotide variant.
Coding change: c.3532T>C on transcript NM_000256.3 (MANE Select); coding-DNA position 3532, T replaced by C.
Protein change: p.Ser1178Pro; replaces serine 1178 with proline.
Molecular consequence: missense variant.
Genome position (GRCh38, 1-based): chr11:47,332,661, A>G on the plus strand (T>C on the coding strand, the complement: MYBPC3 is on the minus strand). VCF-style: chr11-47332661-A-G. GRCh37 (hg19) VCF-style: chr11-47354212-A-G.
Other names: short protein forms S1178P.
Identifiers: ClinVar variation 3075016 (VCV003075016.1), dbSNP rs2495738144, ClinGen allele CA380312702.
Genomic context (GRCh38, chr11:47,332,661, plus strand): 5'-CAGTGTAGCCCGCGATGACCGAGCGGTTCACCAGGGGCTGGGTGAAGCTTGGGGCCTCGG[A>G]GAAGTCCAGGGCCTTATAGTTGGGTGGCTCATAGGTGATGCCTGTTGGTGACAGGACTTG-3'
Protein context (NP_000247.2, residues 1168-1188): EPPNYKALDF[Ser1178Pro]EAPSFTQPLV